The following is an entry in ClinVar:

NM_001396959.1(TBC1D1):c.418-16CT[4]

Gene: TBC1D1 (TBC1 domain family member 1; plus strand). Cytogenetic location: 4p14.
Variant type: Microsatellite.
Coding change: c.418-16CT[4] on transcript NM_001396959.1 (MANE Select); four copies in a row of the 2-base unit CT starting at c.418-16.
Molecular consequence: intron variant.
Genome position: GRCh38 VCF-style: chr4-38014492-CCT-C. GRCh37 (hg19) VCF-style: chr4-38016113-CCT-C.
Other names: c.418-16CT[4] (NM_001253912.2, NM_015173.4).
Identifiers: ClinVar variation 3053819 (VCV003053819.2), dbSNP rs563872535, ClinGen allele CA2887417.

ClinVar aggregate classification (germline): Likely benign (0 of 4 stars; one submission).

Conditions:
TBC1D1-related disorder. Also called: TBC1D1-related condition.

Submission:

PreventionGenetics, part of Exact Sciences
Classification: Likely benign for TBC1D1-related condition. Last evaluated: 2020-11-10. Review status: no assertion criteria provided. Collection method: clinical testing. Allele origin: germline.
Comment: This variant is classified as likely benign based on ACMG/AMP sequence variant interpretation guidelines (Richards et al. 2015 PMID: 25741868, with internal and published modifications).